The following is an entry in ClinVar:

ClinVar aggregate classification (germline): Uncertain significance. Review status: criteria provided, multiple submitters, no conflicts (2 of 4 stars). 3 submissions from 3 submitters: Uncertain significance (3). Last evaluated 2025-05-05.

Conditions:
Hereditary cancer-predisposing syndrome. Also called: Neoplastic Syndromes, Hereditary; Hereditary Cancer Syndrome; Tumor predisposition; Hereditary neoplastic syndrome. Identifiers: Orphanet 140162, MedGen C0027672, MeSH D009386, MONDO:0015356.
Oligodontia-cancer predisposition syndrome. Also called: TOOTH AGENESIS-COLORECTAL CANCER SYNDROME. Identifiers: Orphanet 300576, MedGen C1837750, MONDO:0012075, OMIM 608615. Disease mechanism: loss of function.

gnomAD v4.1: 5 of 1,611,094 alleles (0.00031%); highest among the groups gnomAD compares: Non-Finnish European, 0.00042%; no homozygotes.

Submissions (3):

Labcorp Genetics (formerly Invitae), Labcorp
Classification: Uncertain significance for Oligodontia-cancer predisposition syndrome. Last evaluated: 2025-05-05. Review status: criteria provided, single submitter. Criteria: Invitae Variant Classification Sherloc (09022015). Collection method: clinical testing. Allele origin: germline.
Comment: This sequence change replaces proline, which is neutral and non-polar, with threonine, which is neutral and polar, at codon 711 of the AXIN2 protein (p.Pro711Thr). This variant is not present in population databases (gnomAD no frequency). This variant has not been reported in the literature in individuals affected with AXIN2-related conditions. ClinVar contains an entry for this variant (Variation ID: 574632). Invitae Evidence Modeling of protein sequence and biophysical properties (such as structural, functional, and spatial information, amino acid conservation, physicochemical variation, residue mobility, and thermodynamic stability) indicates that this missense variant is not expected to disrupt AXIN2 protein function with a negative predictive value of 80%. In summary, the available evidence is currently insufficient to determine the role of this variant in disease. Therefore, it has been classified as a Variant of Uncertain Significance.

Ambry Genetics
Classification: Uncertain significance for Hereditary cancer-predisposing syndrome. Last evaluated: 2024-08-21. Review status: criteria provided, single submitter. Criteria: Ambry Variant Classification Scheme 2023. Collection method: clinical testing. Allele origin: germline.
Comment: The p.P711T variant (also known as c.2131C>A), located in coding exon 7 of the AXIN2 gene, results from a C to A substitution at nucleotide position 2131. The proline at codon 711 is replaced by threonine, an amino acid with highly similar properties. This amino acid position is conserved. In addition, this alteration is predicted to be tolerated by in silico analysis. Since supporting evidence is limited at this time, the clinical significance of this alteration remains unclear.

GeneDx
Classification: Uncertain significance. Last evaluated: 2024-07-02. Review status: criteria provided, single submitter. Criteria: GeneDx Variant Classification Process June 2021. Collection method: clinical testing. Allele origin: germline. Affected: yes.
Comment: Not observed at significant frequency in large population cohorts (gnomAD); In silico analysis indicates that this missense variant does not alter protein structure/function; Has not been previously published as pathogenic or benign to our knowledge; This variant is associated with the following publications: (PMID: 15735151)

NM_004655.4(AXIN2):c.2131C>A (p.Pro711Thr)

Gene: AXIN2 (axin 2; minus strand). Cytogenetic location: 17q24.1.
Variant type: single nucleotide variant.
Coding change: c.2131C>A on transcript NM_004655.4 (MANE Select); coding-DNA position 2131, C replaced by A.
Protein change: p.Pro711Thr; replaces proline 711 with threonine.
Molecular consequence: missense variant.
Genome position (GRCh38, 1-based): chr17:65,536,330, G>T on the plus strand (C>A on the coding strand, the complement: AXIN2 is on the minus strand). VCF-style: chr17-65536330-G-T. GRCh37 (hg19) VCF-style: chr17-63532448-G-T.
Other names: c.2131C>A (LRG_296t1); c.1936C>A, p.Pro646Thr (NM_001363813.1); short protein forms P711T, P646T.
Identifiers: ClinVar variation 574632 (VCV000574632.10), dbSNP rs1567753924, ClinGen allele CA400675925.